The following is an entry in ClinVar:

ClinVar aggregate classification (germline): Uncertain significance (1 of 4 stars; one submission).

Allele frequency attached by ClinVar (database versions not stated): gnomAD 0.00001; TOPMed 0.00001.
gnomAD v4.1: 20 of 1,613,854 alleles (0.0012%); highest among the groups gnomAD compares: Non-Finnish European, 0.0015%; no homozygotes.

Submission:

Labcorp Genetics (formerly Invitae), Labcorp
Classification: Uncertain significance. Last evaluated: 2025-10-13. Review status: criteria provided, single submitter. Criteria: Invitae Variant Classification Sherloc (09022015). Collection method: clinical testing. Allele origin: germline.
Comment: This sequence change replaces arginine, which is basic and polar, with tryptophan, which is neutral and slightly polar, at codon 1559 of the NBAS protein (p.Arg1559Trp). This variant is present in population databases (rs755242823, gnomAD 0.0009%). This variant has not been reported in the literature in individuals affected with NBAS-related conditions. ClinVar contains an entry for this variant (Variation ID: 1412557). Invitae Evidence Modeling of protein sequence and biophysical properties (such as structural, functional, and spatial information, amino acid conservation, physicochemical variation, residue mobility, and thermodynamic stability) indicates that this missense variant is not expected to disrupt NBAS protein function with a negative predictive value of 95%. In summary, the available evidence is currently insufficient to determine the role of this variant in disease. Therefore, it has been classified as a Variant of Uncertain Significance.

NM_015909.4(NBAS):c.4675C>T (p.Arg1559Trp)

Gene: NBAS (NBAS subunit of NRZ tethering complex; minus strand). Cytogenetic location: 2p24.3.
Variant type: single nucleotide variant.
Coding change: c.4675C>T on transcript NM_015909.4 (MANE Select); coding-DNA position 4675, C replaced by T.
Protein change: p.Arg1559Trp; replaces arginine 1559 with tryptophan.
Molecular consequence: missense variant. On other transcripts: non-coding transcript variant (1).
Genome position (GRCh38, 1-based): chr2:15,308,338, G>A on the plus strand (C>T on the coding strand, the complement: NBAS is on the minus strand). VCF-style: chr2-15308338-G-A. GRCh37 (hg19) VCF-style: chr2-15448462-G-A.
Other names: short protein forms R1559W.
Identifiers: ClinVar variation 1412557 (VCV001412557.4), dbSNP rs755242823, ClinGen allele CA1535545.